The following is an entry in ClinVar:

ClinVar aggregate classification (germline): Pathogenic (1 of 4 stars; one submission).

Submission:

GeneDx
Classification: Pathogenic. Last evaluated: 2023-12-29. Review status: criteria provided, single submitter. Criteria: GeneDx Variant Classification Process June 2021. Collection method: clinical testing. Allele origin: germline. Affected: yes.
Comment: Published functional studies show that this variant hinders the interaction between the a1 and b2 subunits and suggests it results in gain of function (PMID: 35637276); In silico analysis supports that this missense variant has a deleterious effect on protein structure/function; Not observed at significant frequency in large population cohorts (gnomAD); Missense variants in this gene are a common cause of disease and they are underrepresented in the general population; This variant is associated with the following publications: (PMID: 23708187, 32090326, 29186148, 35637276)

NM_001040142.2(SCN2A):c.2715G>C (p.Lys905Asn)

Gene: SCN2A (sodium voltage-gated channel alpha subunit 2; plus strand). Cytogenetic location: 2q24.3.
Variant type: single nucleotide variant.
Coding change: c.2715G>C on transcript NM_001040142.2 (MANE Select); coding-DNA position 2715, G replaced by C.
Protein change: p.Lys905Asn; replaces lysine 905 with asparagine.
Molecular consequence: missense variant.
Genome position (GRCh38, 1-based): chr2:165,344,707, G>C. VCF-style: chr2-165344707-G-C. GRCh37 (hg19) VCF-style: chr2-166201217-G-C.
Other names: p.K905N:AAG>AAC; c.2715G>C, p.Lys905Asn (NM_001040143.2, NM_001371246.1, NM_001371247.1 and 1 more transcripts); short protein forms K905N.
Identifiers: ClinVar variation 206973 (VCV000206973.3), dbSNP rs796053119, ClinGen allele CA317889.
Genomic context (GRCh38, chr2:165,344,707, plus strand): 5'-CTTGGTATTGGCCATCATCGTCTTCATTTTTGCTGTGGTCGGCATGCAGCTCTTTGGTAA[G>C]AGCTACAAAGAATGTGTCTGCAAGATTTCCAATGATTGTGAACTCCCACGCTGGCACATG-3'
Protein context (NP_001035232.1, residues 895-915): FAVVGMQLFG[Lys905Asn]SYKECVCKIS